The following is an entry in ClinVar:

ClinVar aggregate classification (germline): Conflicting classifications of pathogenicity. Review status: criteria provided, conflicting classifications (1 of 4 stars). 6 submissions from 6 submitters: Uncertain significance (4); Likely benign (1). 1 of the submissions does not count toward it. Last evaluated 2026-07-24.

Conditions:
Cardiovascular phenotype. Identifiers: MedGen CN230736.
Glycogen storage disease, type II (IOPD). Also called: Glucosidase acid-1,4-alpha deficiency; GLYCOGENOSIS, GENERALIZED, CARDIAC FORM; GSD II; POMPE DISEASE, INFANTILE-ONSET; GLYCOGEN STORAGE DISEASE II, INFANTILE-ONSET; ACID ALPHA-GLUCOSIDASE DEFICIENCY, INFANTILE-ONSET. Identifiers: Orphanet 365, MedGen C0017921, MONDO:0009290, OMIM 232300.

Allele frequency attached by ClinVar (database versions not stated): gnomAD below 0.00001 and 0.00002; TOPMed below 0.00001; ExAC 0.00002; gnomAD exomes 0.00004 and 0.00003.
gnomAD v4.1: 47 of 1,613,032 alleles (0.0029%); highest among the groups gnomAD compares: South Asian, 0.03%; 3 homozygotes.

Submissions (6):

Ambry Genetics
Classification: Likely benign for Cardiovascular phenotype. Last evaluated: 2026-07-24. Review status: criteria provided, single submitter. Criteria: Ambry Variant Classification Scheme 2023. Collection method: clinical testing. Allele origin: germline.

GeneDx
Classification: Uncertain significance. Last evaluated: 2025-02-01. Review status: criteria provided, single submitter. Criteria: GeneDx Variant Classification Process June 2021. Collection method: clinical testing. Allele origin: germline. Affected: yes.
Comment: In silico analysis indicates that this missense variant does not alter protein structure/function; Has not been previously published as pathogenic or benign to our knowledge; This variant is associated with the following publications: (PMID: 19343043, 22253258)

Labcorp Genetics (formerly Invitae), Labcorp
Classification: Uncertain significance for Glycogen storage disease, type II. Last evaluated: 2022-07-26. Review status: criteria provided, single submitter. Criteria: Invitae Variant Classification Sherloc (09022015). Collection method: clinical testing. Allele origin: germline.
Comment: This sequence change replaces aspartic acid, which is acidic and polar, with asparagine, which is neutral and polar, at codon 931 of the GAA protein (p.Asp931Asn). This variant is present in population databases (rs756199247, gnomAD 0.02%). This variant has not been reported in the literature in individuals affected with GAA-related conditions. ClinVar contains an entry for this variant (Variation ID: 847393). Advanced modeling of protein sequence and biophysical properties (such as structural, functional, and spatial information, amino acid conservation, physicochemical variation, residue mobility, and thermodynamic stability) performed at Invitae indicates that this missense variant is not expected to disrupt GAA protein function. In summary, the available evidence is currently insufficient to determine the role of this variant in disease. Therefore, it has been classified as a Variant of Uncertain Significance.

Genome-Nilou Lab
Classification: Uncertain significance for Glycogen storage disease, type II. Last evaluated: 2021-09-05. Review status: criteria provided, single submitter. Criteria: ACMG Guidelines, 2015. Collection method: clinical testing. Allele origin: germline. Affected: no.

Revvity Omics, Revvity
Classification: Uncertain significance. Last evaluated: 2021-07-23. Review status: criteria provided, single submitter. Criteria: ACMG Guidelines, 2015. Collection method: clinical testing. Allele origin: germline.

Natera, Inc.
Classification: Uncertain significance for Glycogen storage disease type II. Last evaluated: 2020-03-13. Review status: no assertion criteria provided. Collection method: clinical testing. Allele origin: germline. Not counted in ClinVar's aggregate classification.

NM_000152.5(GAA):c.2791G>A (p.Asp931Asn)

Gene: GAA (alpha glucosidase; plus strand). Cytogenetic location: 17q25.3.
Variant type: single nucleotide variant.
Coding change: c.2791G>A on transcript NM_000152.5 (MANE Select); coding-DNA position 2791, G replaced by A.
Protein change: p.Asp931Asn; replaces aspartic acid 931 with asparagine.
Molecular consequence: missense variant.
Genome position (GRCh38, 1-based): chr17:80,118,797, G>A. VCF-style: chr17-80118797-G-A. GRCh37 (hg19) VCF-style: chr17-78092596-G-A.
Other names: c.2791G>A, p.Asp931Asn (NM_001079803.3, NM_001079804.3); short protein forms D931N.
Identifiers: ClinVar variation 847393 (VCV000847393.15), dbSNP rs756199247, ClinGen allele CA8815854.